The following is an entry in ClinVar:

NM_001987.5(ETV6):c.46T>C (p.Ser16Pro)

Gene: ETV6 (ETS variant transcription factor 6; plus strand). Cytogenetic location: 12p13.2.
Variant type: single nucleotide variant.
Coding change: c.46T>C on transcript NM_001987.5 (MANE Select); coding-DNA position 46, T replaced by C.
Protein change: p.Ser16Pro; replaces serine 16 with proline.
Molecular consequence: missense variant. On other transcripts: intron variant (1).
Genome position (GRCh38, 1-based): chr12:11,752,462, T>C. VCF-style: chr12-11752462-T-C. GRCh37 (hg19) VCF-style: chr12-11905396-T-C.
Other names: c.43T>C, p.Ser15Pro (NM_001413913.1); c.19T>C, p.Ser7Pro (NM_001413914.1); c.46T>C, p.Ser16Pro (NM_001413916.1, NM_001413917.1, NM_001413918.1); c.-101-86678T>C (NM_001413915.1); short protein forms S15P, S16P, S7P.
Identifiers: ClinVar variation 5036157 (VCV005036157.1).

ClinVar aggregate classification (germline): Uncertain significance (1 of 4 stars; one submission).

Conditions:
Inborn genetic diseases. Identifiers: MedGen C0950123, MeSH D030342.

Submission:

Ambry Genetics
Classification: Uncertain significance for Inborn genetic diseases. Last evaluated: 2026-07-01. Review status: criteria provided, single submitter. Criteria: Ambry Variant Classification Scheme 2023. Collection method: clinical testing. Allele origin: germline.
Comment: The p.S16P variant (also known as c.46T>C), located in coding exon 2 of the ETV6 gene, results from a T to C substitution at nucleotide position 46. The serine at codon 16 is replaced by proline, an amino acid with similar properties. This amino acid position is conserved. In addition, the in silico prediction for this alteration is inconclusive. Based on the available evidence, the clinical significance of this variant remains unclear.